The following is an entry in ClinVar:

NM_000553.6(WRN):c.3403G>A (p.Glu1135Lys)

Gene: WRN (WRN RecQ like helicase; plus strand). Cytogenetic location: 8p12.
Variant type: single nucleotide variant.
Coding change: c.3403G>A on transcript NM_000553.6 (MANE Select); coding-DNA position 3403, G replaced by A.
Protein change: p.Glu1135Lys; replaces glutamic acid 1135 with lysine.
Molecular consequence: missense variant.
Genome position (GRCh38, 1-based): chr8:31,147,072, G>A. VCF-style: chr8-31147072-G-A. GRCh37 (hg19) VCF-style: chr8-31004588-G-A.
Other names: short protein forms E1135K.
Identifiers: ClinVar variation 2165832 (VCV002165832.4), dbSNP rs2130438517, ClinGen allele CA370925236.

ClinVar aggregate classification (germline): Uncertain significance (1 of 4 stars; one submission).

Conditions:
Werner syndrome (WRN). Identifiers: Orphanet 902, MedGen C0043119, MONDO:0010196, OMIM 277700.

Allele frequency attached by ClinVar (database versions not stated): gnomAD exomes below 0.00001.
gnomAD v4.1: 1 of 1,613,652 alleles (0.000062%); highest among the groups gnomAD compares: Non-Finnish European, 0.000085%; no homozygotes.

Submission:

Labcorp Genetics (formerly Invitae), Labcorp
Classification: Uncertain significance for Werner syndrome. Last evaluated: 2023-11-28. Review status: criteria provided, single submitter. Criteria: Invitae Variant Classification Sherloc (09022015). Collection method: clinical testing. Allele origin: germline.
Comment: This sequence change replaces glutamic acid, which is acidic and polar, with lysine, which is basic and polar, at codon 1135 of the WRN protein (p.Glu1135Lys). This variant is not present in population databases (gnomAD no frequency). This variant has not been reported in the literature in individuals affected with WRN-related conditions. ClinVar contains an entry for this variant (Variation ID: 2165832). An algorithm developed to predict the effect of missense changes on protein structure and function (PolyPhen-2) suggests that this variant is likely to be tolerated. In summary, the available evidence is currently insufficient to determine the role of this variant in disease. Therefore, it has been classified as a Variant of Uncertain Significance.